The following is an entry in ClinVar:

NM_002292.4(LAMB2):c.2099G>A (p.Gly700Glu)

Gene: LAMB2 (laminin subunit beta 2; minus strand). Cytogenetic location: 3p21.31.
Variant type: single nucleotide variant.
Coding change: c.2099G>A on transcript NM_002292.4 (MANE Select); coding-DNA position 2099, G replaced by A.
Protein change: p.Gly700Glu; replaces glycine 700 with glutamic acid.
Molecular consequence: missense variant.
Genome position (GRCh38, 1-based): chr3:49,126,417, C>T on the plus strand (G>A on the coding strand, the complement: LAMB2 is on the minus strand). VCF-style: chr3-49126417-C-T. GRCh37 (hg19) VCF-style: chr3-49163850-C-T.
Other names: short protein forms G700E.
Identifiers: ClinVar variation 706599 (VCV000706599.16), dbSNP rs142860588, ClinGen allele CA2394405.

ClinVar aggregate classification (germline): Conflicting classifications of pathogenicity. Review status: criteria provided, conflicting classifications (1 of 4 stars). 5 submissions from 4 submitters: Uncertain significance (2); Benign (1); Likely benign (1). 1 of the submissions does not count toward it. Last evaluated 2025-07-21.

Conditions:
Pierson syndrome. Also called: MICROCORIA-CONGENITAL NEPHROTIC SYNDROME. Identifiers: Orphanet 2670, MedGen C1836876, MONDO:0012184, OMIM 609049.
LAMB2-related disorder. Also called: LAMB2-related condition.
LAMB2-related infantile-onset nephrotic syndrome. Also called: NEPHROTIC SYNDROME, TYPE 5, WITHOUT OCULAR ABNORMALITIES; NEPHROTIC SYNDROME, TYPE 5, WITH OCULAR ABNORMALITIES; Nephrotic Syndrome, type 5. Identifiers: Orphanet 306507, MedGen C3280113, MONDO:0013621, OMIM 614199.

Allele frequency attached by ClinVar (database versions not stated): gnomAD 0.00006; ESP Exome Variant Server 0.00008; TOPMed 0.00008.
gnomAD v4.1: 206 of 1,614,156 alleles (0.013%); highest among the groups gnomAD compares: Middle Eastern, 0.53%; 2 homozygotes.

Submissions (5):

Labcorp Genetics (formerly Invitae), Labcorp
Classification: Benign for LAMB2-related infantile-onset nephrotic syndrome; Pierson syndrome. Last evaluated: 2025-07-21. Review status: criteria provided, single submitter. Criteria: Invitae Variant Classification Sherloc (09022015). Collection method: clinical testing. Allele origin: germline.

Blueprint Genetics
Classification: Likely benign. Last evaluated: 2024-10-21. Review status: criteria provided, single submitter. Criteria: ACMG Guidelines, 2015. Collection method: clinical testing. Allele origin: germline.

Illumina Laboratory Services, Illumina
Classification: Uncertain significance for Pierson syndrome. Last evaluated: 2017-04-27. Review status: criteria provided, single submitter. Criteria: ICSL Variant Classification Criteria 13 December 2019. Collection method: clinical testing. Allele origin: germline.

Illumina Laboratory Services, Illumina
Classification: Uncertain significance for LAMB2-related infantile-onset nephrotic syndrome. Last evaluated: 2017-04-27. Review status: criteria provided, single submitter. Criteria: ICSL Variant Classification Criteria 13 December 2019. Collection method: clinical testing. Allele origin: germline.
Comment: This variant was observed as part of a predisposition screen in an ostensibly healthy population. A literature search was performed for the gene, cDNA change, and amino acid change (where applicable). Publications were found based on this search. However, the evidence from the literature, in combination with allele frequency data from public databases where available, was not sufficient to rule this variant in or out of causing disease. Therefore, this variant is classified as a variant of unknown significance.

PreventionGenetics, part of Exact Sciences
Classification: Likely benign for LAMB2-related condition. Last evaluated: 2022-07-27. Review status: no assertion criteria provided. Collection method: clinical testing. Allele origin: germline. Not counted in ClinVar's aggregate classification.
Comment: This variant is classified as likely benign based on ACMG/AMP sequence variant interpretation guidelines (Richards et al. 2015 PMID: 25741868, with internal and published modifications).

Literature cited by the submitters: PubMed 20556798 (cited by Illumina Laboratory Services, Illumina).